The following is an entry in ClinVar:

ClinVar aggregate classification (germline): Uncertain significance (1 of 4 stars; one submission).

Conditions:
Hereditary cancer-predisposing syndrome. Also called: Neoplastic Syndromes, Hereditary; Tumor predisposition; Hereditary Cancer Syndrome; Hereditary neoplastic syndrome. Identifiers: Orphanet 140162, MedGen C0027672, MeSH D009386, MONDO:0015356.

Submission:

Ambry Genetics
Classification: Uncertain significance for Hereditary cancer-predisposing syndrome. Last evaluated: 2021-12-11. Review status: criteria provided, single submitter. Criteria: Ambry Variant Classification Scheme 2023. Collection method: clinical testing. Allele origin: germline.
Comment: The p.G2569C variant (also known as c.7705G>T), located in coding exon 15 of the BRCA2 gene, results from a G to T substitution at nucleotide position 7705. The glycine at codon 2569 is replaced by cysteine, an amino acid with highly dissimilar properties. This amino acid position is conserved. In addition, the in silico prediction for this alteration is inconclusive. Since supporting evidence is limited at this time, the clinical significance of this alteration remains unclear.

NM_000059.4(BRCA2):c.7705G>T (p.Gly2569Cys)

Gene: BRCA2 (BRCA2 DNA repair associated; plus strand). Cytogenetic location: 13q13.1.
Variant type: single nucleotide variant.
Coding change: c.7705G>T on transcript NM_000059.4 (MANE Select); coding-DNA position 7705, G replaced by T.
Protein change: p.Gly2569Cys; replaces glycine 2569 with cysteine.
Molecular consequence: missense variant.
Genome position (GRCh38, 1-based): chr13:32,357,829, G>T. VCF-style: chr13-32357829-G-T. GRCh37 (hg19) VCF-style: chr13-32931966-G-T.
Other names: c.7609G>T, p.Gly2537Cys (NM_001406719.1); c.7705G>T, p.Gly2569Cys (NM_001406720.1); c.2773G>T, p.Gly925Cys (NM_001406721.1); c.1288G>T, p.Gly430Cys (NM_001406722.1); short protein forms G2569C, G430C, G2537C, G925C.
Identifiers: ClinVar variation 1760231 (VCV001760231.2), dbSNP rs1555286424, ClinGen allele CA387745286.